The following is an entry in ClinVar:

ClinVar aggregate classification (germline): Benign. Review status: criteria provided, multiple submitters, no conflicts (2 of 4 stars). 8 submissions from 8 submitters: Benign (6). 2 of the submissions do not count toward it. Last evaluated 2026-02-04.

Conditions:
beta Thalassemia (BTHAL). Also called: Cooley's anemia; Erythroblastic anemia; Mediterranean anemia. Identifiers: Orphanet 848, MedGen C0005283, MONDO:0019402. Disease mechanism: loss of function.

Allele frequency attached by ClinVar (database versions not stated): gnomAD 0.43941 and 0.44189; 1000 Genomes Project 0.36901; 1000 Genomes Project 30x 0.37008; TOPMed 0.43172.
gnomAD v4.1: 613,698 of 1,341,036 alleles (46%); highest among the groups gnomAD compares: Middle Eastern, 60%; 143,891 homozygotes.

Submissions (8):

Labcorp Genetics (formerly Invitae), Labcorp
Classification: Benign. Last evaluated: 2026-02-04. Review status: criteria provided, single submitter. Criteria: Invitae Variant Classification Sherloc (09022015). Collection method: clinical testing. Allele origin: germline.

Genetics Laboratory, Al-Manara University for Medical Sciences
Classification: Benign for beta Thalassemia. Last evaluated: 2024-05-24. Review status: criteria provided, single submitter. Criteria: ACMG Guidelines, 2015. Collection method: research. Allele origin: germline.
Comment: The HBB:c.315+74T>G (IVSII-74 T>G) variant in the HBB gene (NM_000518.5), located in intron 2, has a splice distance of about 74 bases to the nearest splice site. This variant meets criteria to be classified as benign for beta thalassemia according to ACMG/AMP criteria applied: BA1_stand alone, BP6_strong, and BP4_moderate. This variant has been reported as a benign variant in ClinVar (SCV000603890.3, SCV001000906.7, SCV005323384.1, SCV001883507.1, and SCV001749122.2).

Genome-Nilou Lab
Classification: Benign for Beta-thalassemia HBB/LCRB. Last evaluated: 2021-07-01. Review status: criteria provided, single submitter. Criteria: ACMG Guidelines, 2015. Collection method: clinical testing. Allele origin: germline. Affected: no.

ARUP Laboratories, Molecular Genetics and Genomics, ARUP Laboratories
Classification: Benign. Last evaluated: 2020-04-21. Review status: criteria provided, single submitter. Criteria: ARUP Molecular Germline Variant Investigation Process. Collection method: clinical testing. Allele origin: germline.

GeneDx
Classification: Benign. Last evaluated: 2018-11-12. Review status: criteria provided, single submitter. Criteria: GeneDx Variant Classification Process June 2021. Collection method: clinical testing. Allele origin: germline. Affected: yes.

Breakthrough Genomics
Classification: Benign. Review status: criteria provided, single submitter. Criteria: ACMG Guidelines, 2015. Collection method: not provided. Allele origin: germline. Inheritance: Autosomal recessive inheritance. Affected: yes.

Natera, Inc.
Classification: Benign for Beta thalassemia. Last evaluated: 2020-09-16. Review status: no assertion criteria provided. Collection method: clinical testing. Allele origin: germline. Not counted in ClinVar's aggregate classification.

The ITHANET community portal, The Cyprus Institute of Neurology and Genetics
Classification: Benign for beta Thalassemia. Last evaluated: 2019-11-25. Review status: no assertion criteria provided. Collection method: curation. Allele origin: germline. Not counted in ClinVar's aggregate classification.

Literature cited by the submitters: PubMed 30044883 (cited by Genetics Laboratory, Al-Manara University for Medical Sciences); PubMed 29240028 (cited by Genetics Laboratory, Al-Manara University for Medical Sciences); PubMed 23906453 (cited by Genetics Laboratory, Al-Manara University for Medical Sciences); PubMed 21333566 (cited by Genetics Laboratory, Al-Manara University for Medical Sciences); PubMed 23399541 (cited by Genetics Laboratory, Al-Manara University for Medical Sciences); PubMed 23362932 (cited by Genetics Laboratory, Al-Manara University for Medical Sciences and The ITHANET community portal, The Cyprus Institute of Neurology and Genetics); PubMed 18829352 (cited by Genetics Laboratory, Al-Manara University for Medical Sciences and The ITHANET community portal, The Cyprus Institute of Neurology and Genetics).

NM_000518.5(HBB):c.315+74T>G

Genes: HBB (hemoglobin subunit beta; minus strand), LOC107133510 (origin of replication at HBB; plus strand), LOC110006319 (beta-globin gene 3' regulatory region; plus strand). Cytogenetic location: 11p15.4.
Variant type: single nucleotide variant.
Coding change: c.315+74T>G on transcript NM_000518.5 (MANE Select); 74 bases into the intron after coding-DNA position 315, T replaced by G.
Molecular consequence: intron variant.
Genome position (GRCh38, 1-based): chr11:5,226,503, A>C on the plus strand (T>G on the coding strand, the complement: HBB is on the minus strand). VCF-style: chr11-5226503-A-C. GRCh37 (hg19) VCF-style: chr11-5247733-A-C.
Other names: IVS II-74 T>G.
Identifiers: ClinVar variation 439775 (VCV000439775.30), dbSNP rs7480526, ClinGen allele CA13407790.